The following is an entry in ClinVar:

NM_001083961.2(WDR62):c.2300A>G (p.His767Arg)

Gene: WDR62 (WD repeat domain 62; plus strand). Cytogenetic location: 19q13.12.
Variant type: single nucleotide variant.
Coding change: c.2300A>G on transcript NM_001083961.2 (MANE Select); coding-DNA position 2300, A replaced by G.
Protein change: p.His767Arg; replaces histidine 767 with arginine.
Molecular consequence: missense variant.
Genome position (GRCh38, 1-based): chr19:36,092,778, A>G. VCF-style: chr19-36092778-A-G. GRCh37 (hg19) VCF-style: chr19-36583680-A-G.
Other names: c.2300A>G, p.His767Arg (NM_173636.5); c.2300A>G (NM_001083961.1); short protein forms H767R.
Identifiers: ClinVar variation 1396935 (VCV001396935.7), dbSNP rs376256950, ClinGen allele CA307875636.

ClinVar aggregate classification (germline): Uncertain significance. Review status: criteria provided, multiple submitters, no conflicts (2 of 4 stars). 2 submissions from 2 submitters: Uncertain significance (2). Last evaluated 2024-01-03.

Conditions:
Inborn genetic diseases. Identifiers: MedGen C0950123, MeSH D030342.

Allele frequency attached by ClinVar (database versions not stated): gnomAD exomes 0.00002; TOPMed 0.00003; gnomAD 0.00001; ESP Exome Variant Server 0.00008.
gnomAD v4.1: 31 of 1,614,022 alleles (0.0019%); highest among the groups gnomAD compares: Admixed American, 0.005%; no homozygotes.

Submissions (2):

Ambry Genetics
Classification: Uncertain significance for Inborn genetic diseases. Last evaluated: 2024-01-03. Review status: criteria provided, single submitter. Criteria: Ambry Variant Classification Scheme 2023. Collection method: clinical testing. Allele origin: germline.

Labcorp Genetics (formerly Invitae), Labcorp
Classification: Uncertain significance. Last evaluated: 2021-07-28. Review status: criteria provided, single submitter. Criteria: Invitae Variant Classification Sherloc (09022015). Collection method: clinical testing. Allele origin: germline.
Comment: In summary, the available evidence is currently insufficient to determine the role of this variant in disease. Therefore, it has been classified as a Variant of Uncertain Significance. Algorithms developed to predict the effect of missense changes on protein structure and function (SIFT, PolyPhen-2, Align-GVGD) all suggest that this variant is likely to be tolerated, but these predictions have not been confirmed by published functional studies and their clinical significance is uncertain. This variant has not been reported in the literature in individuals with WDR62-related conditions. This variant is not present in population databases (ExAC no frequency). This sequence change replaces histidine with arginine at codon 767 of the WDR62 protein (p.His767Arg). The histidine residue is weakly conserved and there is a small physicochemical difference between histidine and arginine.